The following is an entry in ClinVar:

ClinVar aggregate classification (germline): Uncertain significance (1 of 4 stars; one submission).

Submission:

Labcorp Genetics (formerly Invitae), Labcorp
Classification: Uncertain significance. Last evaluated: 2024-07-29. Review status: criteria provided, single submitter. Criteria: Invitae Variant Classification Sherloc (09022015). Collection method: clinical testing. Allele origin: germline.
Comment: This sequence change replaces aspartic acid, which is acidic and polar, with tyrosine, which is neutral and polar, at codon 65 of the KMT2C protein (p.Asp65Tyr). This variant is not present in population databases (gnomAD no frequency). This variant has not been reported in the literature in individuals affected with KMT2C-related conditions. An algorithm developed to predict the effect of missense changes on protein structure and function (PolyPhen-2) suggests that this variant is likely to be disruptive. In summary, the available evidence is currently insufficient to determine the role of this variant in disease. Therefore, it has been classified as a Variant of Uncertain Significance.

NM_170606.3(KMT2C):c.193G>T (p.Asp65Tyr)

Gene: KMT2C (lysine methyltransferase 2C; minus strand). Cytogenetic location: 7q36.1.
Variant type: single nucleotide variant.
Coding change: c.193G>T on transcript NM_170606.3 (MANE Select); coding-DNA position 193, G replaced by T.
Protein change: p.Asp65Tyr; replaces aspartic acid 65 with tyrosine.
Molecular consequence: missense variant.
Genome position (GRCh38, 1-based): chr7:152,358,644, C>A on the plus strand (G>T on the coding strand, the complement: KMT2C is on the minus strand). VCF-style: chr7-152358644-C-A. GRCh37 (hg19) VCF-style: chr7-152055729-C-A.
Other names: short protein forms D65Y.
Identifiers: ClinVar variation 2814338 (VCV002814338.3), dbSNP rs2129231487, ClinGen allele CA370197728.